The following is an entry in ClinVar:

ClinVar aggregate classification (germline): Uncertain significance (1 of 4 stars; one submission).

Submission:

Labcorp Genetics (formerly Invitae), Labcorp
Classification: Uncertain significance. Last evaluated: 2020-12-03. Review status: criteria provided, single submitter. Criteria: Invitae Variant Classification Sherloc (09022015). Collection method: clinical testing. Allele origin: germline.
Comment: In summary, the available evidence is currently insufficient to determine the role of this variant in disease. Therefore, it has been classified as a Variant of Uncertain Significance. Algorithms developed to predict the effect of missense changes on protein structure and function are either unavailable or do not agree on the potential impact of this missense change (SIFT: "Not Available"; PolyPhen-2: "Benign"; Align-GVGD: "Not Available"). This variant has not been reported in the literature in individuals with UBA5-related conditions. This variant is not present in population databases (ExAC no frequency). This sequence change replaces alanine with valine at codon 230 of the UBA5 protein (p.Ala230Val). The alanine residue is moderately conserved and there is a small physicochemical difference between alanine and valine.

NM_024818.6(UBA5):c.689C>T (p.Ala230Val)

Genes: NPHP3-ACAD11 (NPHP3-ACAD11 readthrough (NMD candidate); minus strand), UBA5 (ubiquitin like modifier activating enzyme 5; plus strand). Cytogenetic location: 3q22.1.
Variant type: single nucleotide variant.
Coding change: c.689C>T on transcript NM_024818.6 (MANE Select); coding-DNA position 689, C replaced by T.
Protein change: p.Ala230Val; replaces alanine 230 with valine.
Molecular consequence: missense variant.
Genome position (GRCh38, 1-based): chr3:132,672,054, C>T. VCF-style: chr3-132672054-C-T. GRCh37 (hg19) VCF-style: chr3-132390898-C-T.
Other names: c.521C>T, p.Ala174Val (NM_001320210.2, NM_198329.4); c.419C>T, p.Ala140Val (NM_001321238.2); c.353C>T, p.Ala118Val (NM_001321239.1); short protein forms A118V, A140V, A174V, A230V.
Identifiers: ClinVar variation 1353091 (VCV001353091.6), dbSNP rs2107943506, ClinGen allele CA354574467.